The following is an entry in ClinVar:

ClinVar aggregate classification (germline): Uncertain significance (1 of 4 stars; one submission).

Allele frequency attached by ClinVar (database versions not stated): ExAC 0.00001.

Submission:

Labcorp Genetics (formerly Invitae), Labcorp
Classification: Uncertain significance. Last evaluated: 2023-10-17. Review status: criteria provided, single submitter. Criteria: Invitae Variant Classification Sherloc (09022015). Collection method: clinical testing. Allele origin: germline.
Comment: This sequence change replaces serine, which is neutral and polar, with cysteine, which is neutral and slightly polar, at codon 356 of the CEP97 protein (p.Ser356Cys). This variant is present in population databases (rs755022116, gnomAD 0.006%). This variant has not been reported in the literature in individuals affected with CEP97-related conditions. Advanced modeling of protein sequence and biophysical properties (such as structural, functional, and spatial information, amino acid conservation, physicochemical variation, residue mobility, and thermodynamic stability) performed at Invitae indicates that this missense variant is not expected to disrupt CEP97 protein function. In summary, the available evidence is currently insufficient to determine the role of this variant in disease. Therefore, it has been classified as a Variant of Uncertain Significance.

NM_024548.4(CEP97):c.1066A>T (p.Ser356Cys)

Gene: CEP97 (centrosomal protein 97; plus strand). Cytogenetic location: 3q12.3.
Variant type: single nucleotide variant.
Coding change: c.1066A>T on transcript NM_024548.4 (MANE Select); coding-DNA position 1066, A replaced by T.
Protein change: p.Ser356Cys; replaces serine 356 with cysteine.
Molecular consequence: missense variant. On other transcripts: intron variant (2).
Genome position (GRCh38, 1-based): chr3:101,757,672, A>T. VCF-style: chr3-101757672-A-T. GRCh37 (hg19) VCF-style: chr3-101476516-A-T.
Other names: c.964A>T, p.Ser322Cys (NM_001410784.1); c.1028-139A>T (NM_001303401.2); c.926-139A>T (NM_001410785.1); short protein forms S356C, S322C.
Identifiers: ClinVar variation 2895714 (VCV002895714.3), dbSNP rs755022116, ClinGen allele CA2522062.